The following is an entry in ClinVar:

NM_000038.6(APC):c.8239C>G (p.Pro2747Ala)

Gene: APC (APC regulator of Wnt signaling pathway; plus strand). Cytogenetic location: 5q22.2.
Variant type: single nucleotide variant.
Coding change: c.8239C>G on transcript NM_000038.6 (MANE Select); coding-DNA position 8239, C replaced by G.
Protein change: p.Pro2747Ala; replaces proline 2747 with alanine.
Molecular consequence: missense variant.
Genome position (GRCh38, 1-based): chr5:112,843,833, C>G. VCF-style: chr5-112843833-C-G. GRCh37 (hg19) VCF-style: chr5-112179530-C-G.
Other names: c.8239C>G, p.Pro2747Ala (NM_001127510.3, NM_001354895.2); c.8185C>G, p.Pro2729Ala (NM_001127511.3); c.8293C>G, p.Pro2765Ala (NM_001354896.2); c.8269C>G, p.Pro2757Ala (NM_001354897.2); c.8164C>G, p.Pro2722Ala (NM_001354898.2); c.8155C>G, p.Pro2719Ala (NM_001354899.2); c.8116C>G, p.Pro2706Ala (NM_001354900.2); c.8062C>G, p.Pro2688Ala (NM_001354901.2); and 5 more; short protein forms P2729A, P2747A, P2464A, P2621A, P2656A, P2706A, P2587A, P2719A.
Identifiers: ClinVar variation 482324 (VCV000482324.15), dbSNP rs1170470482, ClinGen allele CA16039213.

ClinVar aggregate classification (germline): Uncertain significance. Review status: criteria provided, multiple submitters, no conflicts (2 of 4 stars). 3 submissions from 3 submitters: Uncertain significance (3). Last evaluated 2025-11-03.

Conditions:
Hereditary cancer-predisposing syndrome. Also called: Neoplastic Syndromes, Hereditary; Tumor predisposition; Hereditary Cancer Syndrome; Hereditary neoplastic syndrome. Identifiers: Orphanet 140162, MedGen C0027672, MeSH D009386, MONDO:0015356.
Familial adenomatous polyposis 1 (FAP1). Also called: FAMILIAL ADENOMATOUS POLYPOSIS 1, ATTENUATED; POLYPOSIS, ADENOMATOUS INTESTINAL. Identifiers: MedGen C2713442, MONDO:0021056, OMIM 175100. Disease mechanism: loss of function.

Allele frequency attached by ClinVar (database versions not stated): gnomAD 0.00001; TOPMed 0.00001.
gnomAD v4.1: 2 of 1,613,890 alleles (0.00012%); highest among the groups gnomAD compares: African/African-American, 0.0027%; no homozygotes.

Submissions (3):

Labcorp Genetics (formerly Invitae), Labcorp
Classification: Uncertain significance for Familial adenomatous polyposis 1. Last evaluated: 2025-11-03. Review status: criteria provided, single submitter. Criteria: Invitae Variant Classification Sherloc (09022015). Collection method: clinical testing. Allele origin: germline.
Comment: This sequence change replaces proline, which is neutral and non-polar, with alanine, which is neutral and non-polar, at codon 2747 of the APC protein (p.Pro2747Ala). This variant is present in population databases (no rsID available, gnomAD 0.01%). This variant has not been reported in the literature in individuals affected with APC-related conditions. ClinVar contains an entry for this variant (Variation ID: 482324). Invitae Evidence Modeling of protein sequence and biophysical properties (such as structural, functional, and spatial information, amino acid conservation, physicochemical variation, residue mobility, and thermodynamic stability) indicates that this missense variant is not expected to disrupt APC protein function with a negative predictive value of 95%. In summary, the available evidence is currently insufficient to determine the role of this variant in disease. Therefore, it has been classified as a Variant of Uncertain Significance.

Color Diagnostics, LLC DBA Color Health
Classification: Uncertain significance for Hereditary cancer-predisposing syndrome. Last evaluated: 2019-05-29. Review status: criteria provided, single submitter. Criteria: ACMG Guidelines, 2015. Collection method: clinical testing. Allele origin: germline.

Ambry Genetics
Classification: Uncertain significance for Hereditary cancer-predisposing syndrome. Last evaluated: 2016-03-07. Review status: criteria provided, single submitter. Criteria: Ambry Variant Classification Scheme 2023. Collection method: clinical testing. Allele origin: germline.
Comment: The p.P2747A variant (also known as c.8239C>G), located in coding exon 15 of the APC gene, results from a C to G substitution at nucleotide position 8239. The proline at codon 2747 is replaced by alanine, an amino acid with highly similar properties. This variant was not reported in population based cohorts in the following databases: Database of Single Nucleotide Polymorphisms (dbSNP), NHLBI Exome Sequencing Project (ESP), and 1000 Genomes Project. In the ESP, this variant was not observed in 6501 samples (13002 alleles) with coverage at this position. To date, this alteration has been detected with an allele frequency of approximately 0.001% (greater than 70000 alleles tested) in our clinical cohort. This amino acid position is well conserved in available vertebrate species. In addition, in silico predictors for this gene do not accurately predict pathogenicity. Since supporting evidence is limited at this time, the clinical significance of this alteration remains unclear.